The following is an entry in ClinVar:

ClinVar aggregate classification (germline): Uncertain significance (1 of 4 stars; one submission).

Conditions:
Brugada syndrome 4 (BRGDA4). Identifiers: Orphanet 130, MedGen C2678477, MONDO:0012743, OMIM 611876.

gnomAD v4.1: 3 of 1,594,548 alleles (0.00019%); highest among the groups gnomAD compares: Admixed American, 0.0033%; no homozygotes.

Submission:

Labcorp Genetics (formerly Invitae), Labcorp
Classification: Uncertain significance for Brugada syndrome 4. Last evaluated: 2024-07-24. Review status: criteria provided, single submitter. Criteria: Invitae Variant Classification Sherloc (09022015). Collection method: clinical testing. Allele origin: germline.
Comment: This sequence change replaces leucine, which is neutral and non-polar, with phenylalanine, which is neutral and non-polar, at codon 350 of the CACNB2 protein (p.Leu350Phe). This variant is present in population databases (rs543261732, gnomAD 0.003%). This variant has not been reported in the literature in individuals affected with CACNB2-related conditions. Advanced modeling of protein sequence and biophysical properties (such as structural, functional, and spatial information, amino acid conservation, physicochemical variation, residue mobility, and thermodynamic stability) performed at Invitae indicates that this missense variant is expected to disrupt CACNB2 protein function with a positive predictive value of 80%. In summary, the available evidence is currently insufficient to determine the role of this variant in disease. Therefore, it has been classified as a Variant of Uncertain Significance.

NM_201596.3(CACNB2):c.1212A>C (p.Leu404Phe)

Gene: CACNB2 (calcium voltage-gated channel auxiliary subunit beta 2; plus strand). Cytogenetic location: 10p12.31.
Variant type: single nucleotide variant.
Coding change: c.1212A>C on transcript NM_201596.3 (MANE Select); coding-DNA position 1212, A replaced by C.
Protein change: p.Leu404Phe; replaces leucine 404 with phenylalanine.
Molecular consequence: missense variant.
Genome position (GRCh38, 1-based): chr10:18,536,106, A>C. VCF-style: chr10-18536106-A-C. GRCh37 (hg19) VCF-style: chr10-18825035-A-C.
Other names: c.1047A>C, p.Leu349Phe (NM_000724.4); c.1014A>C, p.Leu338Phe (NM_001167945.2); c.933A>C, p.Leu311Phe (NM_001330060.2); c.954A>C, p.Leu318Phe (NM_001410882.1); c.1068A>C, p.Leu356Phe (NM_201570.3); c.1128A>C, p.Leu376Phe (NM_201571.4); c.1056A>C, p.Leu352Phe (NM_201572.4); c.1050A>C, p.Leu350Phe (NM_201590.3); and 2 more; short protein forms L338F, L350F, L366F, L311F, L318F, L380F, L349F, L356F.
Identifiers: ClinVar variation 3682412 (VCV003682412.2).